The following is an entry in ClinVar:

ClinVar aggregate classification (germline): Uncertain significance (1 of 4 stars; one submission).

Submission:

GeneDx
Classification: Uncertain significance. Last evaluated: 2026-04-21. Review status: criteria provided, single submitter. Criteria: GeneDx Variant Classification Process June 2021. Collection method: clinical testing. Allele origin: germline.
Comment: Not observed at significant frequency in large population cohorts (gnomAD); In silico analysis suggests that this missense variant does not alter protein structure/function; Has not been previously published as pathogenic or benign to our knowledge

NM_002025.4(AFF2):c.260A>G (p.Asn87Ser)

Gene: AFF2 (ALF transcription elongation factor 2; plus strand). Cytogenetic location: Xq28.
Variant type: single nucleotide variant.
Coding change: c.260A>G on transcript NM_002025.4 (MANE Select); coding-DNA position 260, A replaced by G.
Protein change: p.Asn87Ser; replaces asparagine 87 with serine.
Molecular consequence: missense variant.
Genome position (GRCh38, 1-based): chrX:148,661,987, A>G. VCF-style: chrX-148661987-A-G. GRCh37 (hg19) VCF-style: chrX-147743508-A-G.
Other names: c.248A>G, p.Asn83Ser (NM_001169122.2, NM_001169123.2, NM_001169125.2); c.260A>G, p.Asn87Ser (NM_001169124.2); short protein forms N83S, N87S.
Identifiers: ClinVar variation 5037521 (VCV005037521.1).
Genomic context (GRCh38, chrX:148,661,987, plus strand): 5'-TTGCCAACCGAGTCCAGAACACGCTTGGAAACTATGATGAAATGAAGAATTTGCTAACTA[A>G]CCATTCTAATCAGAATCACCTAGTGGGAATTCCAAAGAATTCTGTGCCCCAGAATCCCAA-3'
Protein context (NP_002016.2, residues 77-97): NYDEMKNLLT[Asn87Ser]HSNQNHLVGI